The following is an entry in ClinVar:

NM_006005.3(WFS1):c.2355C>T (p.Ser785=)

Gene: WFS1 (wolframin ER transmembrane glycoprotein; plus strand). Cytogenetic location: 4p16.1.
Variant type: single nucleotide variant.
Coding change: c.2355C>T on transcript NM_006005.3 (MANE Select); coding-DNA position 2355, C replaced by T.
Protein change: p.Ser785=; no amino-acid change (serine 785 retained).
Molecular consequence: synonymous variant.
Genome position (GRCh38, 1-based): chr4:6,302,150, C>T. VCF-style: chr4-6302150-C-T. GRCh37 (hg19) VCF-style: chr4-6303877-C-T.
Other names: c.2355C>T, p.Ser785= (NM_001145853.1).
Identifiers: ClinVar variation 228237 (VCV000228237.18), dbSNP rs201731358, ClinGen allele CA2839694.

ClinVar aggregate classification (germline): Benign/Likely benign. Review status: criteria provided, multiple submitters, no conflicts (2 of 4 stars). 6 submissions from 6 submitters: Benign (1); Likely benign (4). 1 of the submissions does not count toward it. Last evaluated 2025-07-28.

Conditions:
Wolfram syndrome 1 (WFS1). Identifiers: Orphanet 3463, MedGen C4551693, MONDO:0009101, OMIM 222300.
WFS1-related disorder. Identifiers: MedGen CN379391, MONDO:0700293.

Allele frequency attached by ClinVar (database versions not stated): gnomAD exomes 0.00001 and 0.00002; ExAC 0.00003; TOPMed 0.00003; gnomAD 0.00004 and 0.00005; 1000 Genomes Project 30x 0.00031; 1000 Genomes Project 0.00040.
gnomAD v4.1: 36 of 1,612,966 alleles (0.0022%); highest among the groups gnomAD compares: Middle Eastern, 0.016%; no homozygotes.

Submissions (6):

Labcorp Genetics (formerly Invitae), Labcorp
Classification: Likely benign. Last evaluated: 2025-07-28. Review status: criteria provided, single submitter. Criteria: Invitae Variant Classification Sherloc (09022015). Collection method: clinical testing. Allele origin: germline.

Blueprint Genetics
Classification: Likely benign. Last evaluated: 2024-10-16. Review status: criteria provided, single submitter. Criteria: ACMG Guidelines, 2015. Collection method: clinical testing. Allele origin: germline.

GeneDx
Classification: Likely benign. Last evaluated: 2020-12-03. Review status: criteria provided, single submitter. Criteria: GeneDx Variant Classification Process June 2021. Collection method: clinical testing. Allele origin: germline. Affected: yes.

Laboratory for Molecular Medicine, Mass General Brigham Personalized Medicine
Classification: Likely benign. Last evaluated: 2015-02-19. Review status: criteria provided, single submitter. Criteria: LMM Criteria. Collection method: clinical testing. Allele origin: germline. Observed: 1 variant allele.
Comment: p.Ser785Ser in exon 8 of WFS1: This variant is not expected to have clinical sig nificance because it does not alter an amino acid residue and is not located wit hin the splice consensus sequence. It has also been identified in 3/117016 chro mosomes by the Exome Aggregation Consortium (ExAC, g; dbSNP rs201731358).

Clinical Genomics, Uppaluri K&H Personalized Medicine Clinic
Classification: Benign for Wolfram syndrome 1. Review status: criteria provided, single submitter. Criteria: K & H Uppaluri Personalized Medicine Clinic Variant Classification & Assertion Criteria_Updated V.1. Collection method: research. Allele origin: unknown. Inheritance: Autosomal recessive inheritance.
Comment: Potent mutations in WFS1 gene are associated with Wolfram's syndrome, an autosomal recessive condition, which cause diabetes mellitus, diabetes insipidus, deafness and optic atrophy. However no sufficient evidence is found to ascertain the role of this particular variant rs201731358 in Wolfram's syndrome yet.

PreventionGenetics, part of Exact Sciences
Classification: Likely benign for WFS1-related condition. Last evaluated: 2020-07-01. Review status: no assertion criteria provided. Collection method: clinical testing. Allele origin: germline. Not counted in ClinVar's aggregate classification.
Comment: This variant is classified as likely benign based on ACMG/AMP sequence variant interpretation guidelines (Richards et al. 2015 PMID: 25741868, with internal and published modifications).

Literature cited by the submitters: PubMed 20738327 (cited by Clinical Genomics, Uppaluri K&H Personalized Medicine Clinic); PubMed 33879153 (cited by Clinical Genomics, Uppaluri K&H Personalized Medicine Clinic); PubMed 12955714 (cited by Clinical Genomics, Uppaluri K&H Personalized Medicine Clinic); PubMed 18060660 (cited by Clinical Genomics, Uppaluri K&H Personalized Medicine Clinic); PubMed 20301750 (cited by Clinical Genomics, Uppaluri K&H Personalized Medicine Clinic); PubMed 17603484 (cited by Clinical Genomics, Uppaluri K&H Personalized Medicine Clinic).